The following is an entry in ClinVar:

NM_020312.4(COQ9):c.806C>G (p.Thr269Ser)

Gene: COQ9 (coenzyme Q9; plus strand). Cytogenetic location: 16q21.
Variant type: single nucleotide variant.
Coding change: c.806C>G on transcript NM_020312.4 (MANE Select); coding-DNA position 806, C replaced by G.
Protein change: p.Thr269Ser; replaces threonine 269 with serine.
Molecular consequence: missense variant.
Genome position (GRCh38, 1-based): chr16:57,459,659, C>G. VCF-style: chr16-57459659-C-G. GRCh37 (hg19) VCF-style: chr16-57493571-C-G.
Other names: short protein forms T269S.
Identifiers: ClinVar variation 4082599 (VCV004082599.1).

ClinVar aggregate classification (germline): Uncertain significance (1 of 4 stars; one submission).

gnomAD v4.1: 2 of 1,614,188 alleles (0.00012%); highest among the groups gnomAD compares: East Asian, 0.0045%; no homozygotes.

Submission:

GeneDx
Classification: Uncertain significance. Last evaluated: 2025-03-03. Review status: criteria provided, single submitter. Criteria: GeneDx Variant Classification Process June 2021. Collection method: clinical testing. Allele origin: germline. Affected: yes.
Comment: Not observed at significant frequency in large population cohorts (gnomAD); In silico analysis supports that this missense variant has a deleterious effect on protein structure/function; Has not been previously published as pathogenic or benign to our knowledge